The following is an entry in ClinVar:

ClinVar aggregate classification (germline): Uncertain significance (1 of 4 stars; one submission).

Conditions:
Mucopolysaccharidosis, MPS-III-A (MPS3A). Also called: HEPARAN SULFATE SULFATASE DEFICIENCY; SANFILIPPO SYNDROME A; SULFAMIDASE DEFICIENCY; MPS III A; Mucopolysaccharidosis, type IIIA; MUCOPOLYSACCHARIDOSIS, TYPE IIIA, ATTENUATED. Identifiers: Orphanet 581, Orphanet 79269, MedGen C0086647, MONDO:0009655, OMIM 252900.

Allele frequency attached by ClinVar (database versions not stated): gnomAD exomes 0.00001; ExAC 0.00001; gnomAD 0.00002; 1000 Genomes Project 30x 0.00016; 1000 Genomes Project 0.00020; TOPMed 0.00001.

Submission:

Labcorp Genetics (formerly Invitae), Labcorp
Classification: Uncertain significance for Mucopolysaccharidosis, MPS-III-A. Last evaluated: 2022-06-14. Review status: criteria provided, single submitter. Criteria: Invitae Variant Classification Sherloc (09022015). Collection method: clinical testing. Allele origin: germline.
Comment: This sequence change replaces glutamic acid, which is acidic and polar, with lysine, which is basic and polar, at codon 310 of the SGSH protein (p.Glu310Lys). This variant is present in population databases (rs575904470, gnomAD 0.01%). This variant has not been reported in the literature in individuals affected with SGSH-related conditions. Algorithms developed to predict the effect of missense changes on protein structure and function (SIFT, PolyPhen-2, Align-GVGD) all suggest that this variant is likely to be tolerated. In summary, the available evidence is currently insufficient to determine the role of this variant in disease. Therefore, it has been classified as a Variant of Uncertain Significance.

NM_000199.5(SGSH):c.928G>A (p.Glu310Lys)

Gene: SGSH (N-sulfoglucosamine sulfohydrolase; minus strand). Cytogenetic location: 17q25.3.
Variant type: single nucleotide variant.
Coding change: c.928G>A on transcript NM_000199.5 (MANE Select); coding-DNA position 928, G replaced by A.
Protein change: p.Glu310Lys; replaces glutamic acid 310 with lysine.
Molecular consequence: missense variant. On other transcripts: non-coding transcript variant (1).
Genome position (GRCh38, 1-based): chr17:80,212,092, C>T on the plus strand (G>A on the coding strand, the complement: SGSH is on the minus strand). VCF-style: chr17-80212092-C-T. GRCh37 (hg19) VCF-style: chr17-78185891-C-T.
Other names: c.928G>A, p.Glu310Lys (NM_001352921.3, NM_001352922.2); short protein forms E310K.
Identifiers: ClinVar variation 2171083 (VCV002171083.1), dbSNP rs575904470, ClinGen allele CA8817749.
Genomic context (GRCh38, chr17:80,212,092, plus strand): 5'-CTCCCACACCTTTCCTGACGGAGACAGACAAAGGCATACCTAGGAGGCTCACGTAGGCCT[C>T]GCTGACTTGGCCCCAGCGTTTTGGGTGCTCCGGGGATGACACCAGTAAGGGTTCAGCAGT-3'
Protein context (NP_000190.1, residues 300-320): EHPKRWGQVS[Glu310Lys]AYVSLLDLTP